The following is an entry in ClinVar:

ClinVar aggregate classification (germline): Uncertain significance. Review status: criteria provided, multiple submitters, no conflicts (2 of 4 stars). 2 submissions from 2 submitters: Uncertain significance (2). Last evaluated 2025-06-25.

Conditions:
Cardiovascular phenotype. Identifiers: MedGen CN230736.

Allele frequency attached by ClinVar (database versions not stated): gnomAD exomes below 0.00001 and 0.00001; TOPMed 0.00001; gnomAD 0.00003; ESP Exome Variant Server 0.00008; ExAC 0.00001.
gnomAD v4.1: 8 of 1,611,540 alleles (0.0005%); highest among the groups gnomAD compares: African/African-American, 0.0067%; no homozygotes.

Submissions (2):

GeneDx
Classification: Uncertain significance. Last evaluated: 2025-06-25. Review status: criteria provided, single submitter. Criteria: GeneDx Variant Classification Process June 2021. Collection method: clinical testing. Allele origin: germline. Affected: yes.
Comment: Not observed at significant frequency in large population cohorts (gnomAD); Missense variant in a gene in which most reported pathogenic variants are truncating/loss of function; Has not been previously published as pathogenic or benign to our knowledge

Ambry Genetics
Classification: Uncertain significance for Cardiovascular phenotype. Last evaluated: 2013-02-27. Review status: criteria provided, single submitter. Criteria: Ambry Autosomal Dominant and X-Linked criteria (10/2015). Collection method: clinical testing. Allele origin: germline. Observed: 1 variant allele.
Comment: There is insufficient or conflicting evidence for classification of this alteration.

NM_001267550.2(TTN):c.52505T>C (p.Leu17502Ser)

Genes: TTN-AS1 (TTN antisense RNA 1; plus strand), TTN (titin; minus strand), LOC126806425 (BRD4-independent group 4 enhancer GRCh37_chr2:179471933-179473132; plus strand). Cytogenetic location: 2q31.2.
Variant type: single nucleotide variant.
Coding change: c.52505T>C on transcript NM_001267550.2 (MANE Select); coding-DNA position 52505, T replaced by C.
Protein change: p.Leu17502Ser; replaces leucine 17502 with serine.
Molecular consequence: missense variant.
Genome position (GRCh38, 1-based): chr2:178,608,378, A>G on the plus strand (T>C on the coding strand, the complement: TTN is on the minus strand). VCF-style: chr2-178608378-A-G. GRCh37 (hg19) VCF-style: chr2-179473105-A-G.
Other names: c.52505T>C (NM_001267550.1); c.47582T>C, p.Leu15861Ser (NM_001256850.1); c.25310T>C, p.Leu8437Ser (NM_003319.4); c.44801T>C, p.Leu14934Ser (NM_133378.4); c.25685T>C, p.Leu8562Ser (NM_133432.3); c.25886T>C, p.Leu8629Ser (NM_133437.4); short protein forms L14934S, L17502S, L15861S, L8437S, L8562S, L8629S.
Identifiers: ClinVar variation 263538 (VCV000263538.4), dbSNP rs368013299, ClinGen allele CA1993980.